The following is an entry in ClinVar:

ClinVar aggregate classification (germline): Likely pathogenic (1 of 4 stars; one submission).

Submission:

Mayo Clinic Laboratories, Mayo Clinic
Classification: Likely pathogenic. Last evaluated: 2023-10-19. Review status: criteria provided, single submitter. Criteria: ACMG Guidelines, 2015. Collection method: clinical testing. Allele origin: germline. Observed: 1 variant allele.
Comment: PP3, PM1, PM2_moderate, PM5

Literature cited by the submitters: PubMed 16705712; PubMed 23903049; PubMed 27098529; PubMed 36338413.

NM_000488.4(SERPINC1):c.949T>G (p.Leu317Val)

Gene: SERPINC1 (serpin family C member 1; minus strand). Cytogenetic location: 1q25.1.
Variant type: single nucleotide variant.
Coding change: c.949T>G on transcript NM_000488.4 (MANE Select); coding-DNA position 949, T replaced by G.
Protein change: p.Leu317Val; replaces leucine 317 with valine.
Molecular consequence: missense variant.
Genome position (GRCh38, 1-based): chr1:173,909,756, A>C on the plus strand (T>G on the coding strand, the complement: SERPINC1 is on the minus strand). VCF-style: chr1-173909756-A-C. GRCh37 (hg19) VCF-style: chr1-173878894-A-C.
Other names: p.Leu317Val; c.805T>G, p.Leu269Val (NM_001365052.2); c.1072T>G, p.Leu358Val (NM_001386302.1); c.1030T>G, p.Leu344Val (NM_001386303.1); c.928T>G, p.Leu310Val (NM_001386304.1); c.892T>G, p.Leu298Val (NM_001386305.1); c.733T>G, p.Leu245Val (NM_001386306.1); short protein forms L245V, L269V, L298V, L310V, L317V, L344V, L358V.
Identifiers: ClinVar variation 3381065 (VCV003381065.1).